The following is an entry in ClinVar:

NM_004287.5(GOSR2):c.337-147T>G

Genes: GOSR2 (golgi SNAP receptor complex member 2; plus strand), LRRC37A2 (leucine rich repeat containing 37 member A2). Cytogenetic location: 17q21.32.
Variant type: single nucleotide variant.
Coding change: c.337-147T>G on transcript NM_004287.5 (MANE Select); 147 bases into the intron before coding-DNA position 337, T replaced by G.
Molecular consequence: intron variant.
Genome position (GRCh38, 1-based): chr17:46,934,882, T>G. VCF-style: chr17-46934882-T-G. GRCh37 (hg19) VCF-style: chr17-45012248-T-G.
Other names: c.337-147T>G (NM_001321133.2, NM_054022.4, NM_001012511.3); c.283-147T>G (NM_001363851.2); c.282+2683T>G (NM_001321134.2); c.336+2683T>G (NM_001330252.2); c.334-147T>G (NM_001353114.2); c.333+2683T>G (NM_001353115.2, NM_001353116.2).
Identifiers: ClinVar variation 681357 (VCV000681357.2), dbSNP rs169126, ClinGen allele CA291200982.

ClinVar aggregate classification (germline): Benign. Review status: criteria provided, multiple submitters, no conflicts (2 of 4 stars). 2 submissions from 2 submitters: Benign (2). Last evaluated 2018-06-14.

Allele frequency attached by ClinVar (database versions not stated): gnomAD 0.99997; TOPMed 0.99998; 1000 Genomes Project 1.00000; 1000 Genomes Project 30x 1.00000; gnomAD exomes 1.00000.
gnomAD v4.1: 712,661 of 712,666 alleles (100%); highest among the groups gnomAD compares: Non-Finnish European, 100%; 356,328 homozygotes.

Submissions (2):

GeneDx
Classification: Benign. Last evaluated: 2018-06-14. Review status: criteria provided, single submitter. Criteria: GeneDx Variant Classification (06012015). Collection method: clinical testing. Allele origin: germline. Affected: yes.
Comment: This variant is considered likely benign or benign based on one or more of the following criteria: it is a conservative change, it occurs at a poorly conserved position in the protein, it is predicted to be benign by multiple in silico algorithms, and/or has population frequency not consistent with disease.

Breakthrough Genomics
Classification: Benign. Review status: criteria provided, single submitter. Criteria: ACMG Guidelines, 2015. Collection method: not provided. Allele origin: germline. Inheritance: Autosomal recessive inheritance. Affected: yes.